The following is an entry in ClinVar:

NM_015158.5(KANK1):c.2621A>C (p.Asn874Thr)

Gene: KANK1 (KN motif and ankyrin repeat domains 1; plus strand). Cytogenetic location: 9p24.3.
Variant type: single nucleotide variant.
Coding change: c.2621A>C on transcript NM_015158.5 (MANE Select); coding-DNA position 2621, A replaced by C.
Protein change: p.Asn874Thr; replaces asparagine 874 with threonine.
Molecular consequence: missense variant. On other transcripts: non-coding transcript variant (1).
Genome position (GRCh38, 1-based): chr9:713,387, A>C. VCF-style: chr9-713387-A-C. GRCh37 (hg19) VCF-style: chr9-713387-A-C.
Other names: c.2621A>C, p.Asn874Thr (NM_001256876.3, NM_001256877.3, NM_001354331.2 and 2 more transcripts); c.2147A>C, p.Asn716Thr (NM_001354333.2, NM_001354335.2, NM_001354336.2 and 9 more transcripts); short protein forms N716T, N874T.
Identifiers: ClinVar variation 3772303 (VCV003772303.13).

ClinVar aggregate classification (germline): Uncertain significance (1 of 4 stars; one submission).

gnomAD v4.1: 1 of 1,613,790 alleles (0.000062%); highest among the groups gnomAD compares: South Asian, 0.0011%; no homozygotes.

Submission:

CeGaT Center for Human Genetics Tuebingen
Classification: Uncertain significance. Last evaluated: 2025-01-01. Review status: criteria provided, single submitter. Criteria: CeGaT Center For Human Genetics Tuebingen Variant Classification Criteria Version 2. Collection method: clinical testing. Allele origin: germline. Affected: yes. Observed: 1 variant allele.
Comment: KANK1: PM2, BP4